The following is an entry in ClinVar:

ClinVar aggregate classification (germline): Uncertain significance (1 of 4 stars; one submission).

Conditions:
Catecholaminergic polymorphic ventricular tachycardia 1. Also called: VENTRICULAR TACHYCARDIA, STRESS-INDUCED POLYMORPHIC 1; RYR2-Related Catecholaminergic Polymorphic Ventricular Tachycardia; VENTRICULAR TACHYCARDIA, CATECHOLAMINERGIC POLYMORPHIC, 1, WITH OR WITHOUT ATRIAL DYSFUNCTION AND/OR DILATED CARDIOMYOPATHY. Identifiers: Orphanet 3286, MedGen C1631597, MONDO:0011484, OMIM 604772.

Submission:

Labcorp Genetics (formerly Invitae), Labcorp
Classification: Uncertain significance for Catecholaminergic polymorphic ventricular tachycardia 1. Last evaluated: 2025-03-05. Review status: criteria provided, single submitter. Criteria: Invitae Variant Classification Sherloc (09022015). Collection method: clinical testing. Allele origin: germline.
Comment: This sequence change replaces glycine, which is neutral and non-polar, with aspartic acid, which is acidic and polar, at codon 735 of the RYR2 protein (p.Gly735Asp). This variant is not present in population databases (gnomAD no frequency). This variant has not been reported in the literature in individuals affected with RYR2-related conditions. An algorithm developed to predict the effect of missense changes on protein structure and function (PolyPhen-2) suggests that this variant is likely to be disruptive. In summary, the available evidence is currently insufficient to determine the role of this variant in disease. Therefore, it has been classified as a Variant of Uncertain Significance.

NM_001035.3(RYR2):c.2204G>A (p.Gly735Asp)

Gene: RYR2 (ryanodine receptor 2; plus strand). Cytogenetic location: 1q43.
Variant type: single nucleotide variant.
Coding change: c.2204G>A on transcript NM_001035.3 (MANE Select); coding-DNA position 2204, G replaced by A.
Protein change: p.Gly735Asp; replaces glycine 735 with aspartic acid.
Molecular consequence: missense variant.
Genome position (GRCh38, 1-based): chr1:237,500,711, G>A. VCF-style: chr1-237500711-G-A. GRCh37 (hg19) VCF-style: chr1-237664011-G-A.
Other names: short protein forms G735D.
Identifiers: ClinVar variation 4799192 (VCV004799192.1).
Genomic context (GRCh38, chr1:237,500,711, plus strand): 5'-GAAGCTGATTCTCTGAGATAAAAAAATACATGACCTTCCTTAATGTTTTCCCCCCAATAG[G>A]TTGTATTGCTCGTACTGTAAGCTCACCAAACCAACATCTGTTAAGAACTGATGATGTCAT-3'
Protein context (NP_001026.2, residues 725-745): YGFDGLHLWS[Gly735Asp]CIARTVSSPN